The following is an entry in ClinVar:

NM_006030.4(CACNA2D2):c.3244C>A (p.Pro1082Thr)

Genes: CACNA2D2 (calcium voltage-gated channel auxiliary subunit alpha2delta 2; minus strand), LOC127898564 (CYB561D2-LOC101928965; plus strand). Cytogenetic location: 3p21.31.
Variant type: single nucleotide variant.
Coding change: c.3244C>A on transcript NM_006030.4 (MANE Select); coding-DNA position 3244, C replaced by A.
Protein change: p.Pro1082Thr; replaces proline 1082 with threonine.
Molecular consequence: missense variant.
Genome position (GRCh38, 1-based): chr3:50,364,935, G>T on the plus strand (C>A on the coding strand, the complement: CACNA2D2 is on the minus strand). VCF-style: chr3-50364935-G-T. GRCh37 (hg19) VCF-style: chr3-50402366-G-T.
Other names: c.3250C>A, p.Pro1084Thr (NM_001005505.3); c.3265C>A, p.Pro1089Thr (NM_001174051.3); c.3043C>A, p.Pro1015Thr (NM_001291101.1); c.3247C>A, p.Pro1083Thr (NM_001410768.1); short protein forms P1015T, P1082T, P1089T, P1083T, P1084T.
Identifiers: ClinVar variation 1960707 (VCV001960707.5), dbSNP rs13097796, ClinGen allele CA352900484.

ClinVar aggregate classification (germline): Uncertain significance (1 of 4 stars; one submission).

Conditions:
Early-infantile DEE. Also called: Ohtahara syndrome; Early infantile epileptic encephalopathy with suppression bursts; Early infantile epileptic encephalopathy. Identifiers: Orphanet 1934, MedGen C0393706, MONDO:0800491.

Allele frequency attached by ClinVar (database versions not stated): gnomAD 0.00001.
gnomAD v4.1: 1 of 1,613,182 alleles (0.000062%); highest among the groups gnomAD compares: Non-Finnish European, 0.000085%; no homozygotes.

Submission:

Labcorp Genetics (formerly Invitae), Labcorp
Classification: Uncertain significance for Early-infantile DEE. Last evaluated: 2023-08-04. Review status: criteria provided, single submitter. Criteria: Invitae Variant Classification Sherloc (09022015). Collection method: clinical testing. Allele origin: germline.
Comment: In summary, the available evidence is currently insufficient to determine the role of this variant in disease. Therefore, it has been classified as a Variant of Uncertain Significance. An algorithm developed to predict the effect of missense changes on protein structure and function (PolyPhen-2) suggests that this variant is likely to be tolerated. ClinVar contains an entry for this variant (Variation ID: 1960707). This variant has not been reported in the literature in individuals affected with CACNA2D2-related conditions. This variant is present in population databases (no rsID available, gnomAD 0.007%). This sequence change replaces proline, which is neutral and non-polar, with threonine, which is neutral and polar, at codon 1082 of the CACNA2D2 protein (p.Pro1082Thr).